The following is an entry in ClinVar:

ClinVar aggregate classification (germline): Uncertain significance (1 of 4 stars; one submission).

Conditions:
Inborn genetic diseases. Identifiers: MedGen C0950123, MeSH D030342.

Submission:

Ambry Genetics
Classification: Uncertain significance for Inborn genetic diseases. Last evaluated: 2026-03-12. Review status: criteria provided, single submitter. Criteria: Ambry Variant Classification Scheme 2023. Collection method: clinical testing. Allele origin: germline.
Comment: The p.F972L variant (also known as c.2916C>G), located in coding exon 22 of the BUB1B gene, results from a C to G substitution at nucleotide position 2916. The phenylalanine at codon 972 is replaced by leucine, an amino acid with highly similar properties. This amino acid position is conserved. In addition, this alteration is predicted to be tolerated by in silico analysis. Based on the available evidence, the clinical significance of this variant remains unclear.

NM_001211.6(BUB1B):c.2916C>G (p.Phe972Leu)

Genes: BUB1B (BUB1 mitotic checkpoint serine/threonine kinase B; plus strand), BUB1B-PAK6 (BUB1B-PAK6 readthrough; plus strand). Cytogenetic location: 15q15.1.
Variant type: single nucleotide variant.
Coding change: c.2916C>G on transcript NM_001211.6 (MANE Select); coding-DNA position 2916, C replaced by G.
Protein change: p.Phe972Leu; replaces phenylalanine 972 with leucine.
Molecular consequence: missense variant. On other transcripts: intron variant (2).
Genome position (GRCh38, 1-based): chr15:40,218,521, C>G. VCF-style: chr15-40218521-C-G. GRCh37 (hg19) VCF-style: chr15-40510722-C-G.
Other names: c.-201+854C>G (NM_001128628.3); c.-118+854C>G (NM_001128629.3); short protein forms F972L.
Identifiers: ClinVar variation 4826661 (VCV004826661.1).